The following is an entry in ClinVar:

ClinVar aggregate classification (germline): Likely pathogenic (1 of 4 stars; one submission).

Submission:

GeneDx
Classification: Likely pathogenic. Last evaluated: 2018-12-19. Review status: criteria provided, single submitter. Criteria: GeneDx Variant Classification (06012015). Collection method: clinical testing. Allele origin: germline. Affected: yes.
Comment: The E15X variant in the MED13L gene has not been reported previously as a pathogenic variant nor as a benign variant, to our knowledge. This variant is predicted to cause loss of normal protein function either through protein truncation or nonsense-mediated mRNA decay. The E15X variant is not observed in large population cohorts (Lek et al., 2016). We interpret E15X as a likely pathogenic variant.

NM_015335.5(MED13L):c.43G>T (p.Glu15Ter)

Gene: MED13L (mediator complex subunit 13L; minus strand). Cytogenetic location: 12q24.21.
Variant type: single nucleotide variant.
Coding change: c.43G>T on transcript NM_015335.5 (MANE Select); coding-DNA position 43, G replaced by T.
Protein change: p.Glu15Ter; replaces glutamic acid 15 with a stop codon.
Molecular consequence: nonsense.
Genome position (GRCh38, 1-based): chr12:116,277,089, C>A on the plus strand (G>T on the coding strand, the complement: MED13L is on the minus strand). VCF-style: chr12-116277089-C-A. GRCh37 (hg19) VCF-style: chr12-116714894-C-A.
Other names: short protein forms E15*.
Identifiers: ClinVar variation 379895 (VCV000379895.2), dbSNP rs1057520775, ClinGen allele CA16606071.